The following is an entry in ClinVar:

NM_000130.5(F5):c.1313T>C (p.Met438Thr)

Gene: F5 (coagulation factor V; minus strand). Cytogenetic location: 1q24.2.
Variant type: single nucleotide variant.
Coding change: c.1313T>C on transcript NM_000130.5 (MANE Select); coding-DNA position 1313, T replaced by C.
Protein change: p.Met438Thr; replaces methionine 438 with threonine.
Molecular consequence: missense variant.
Genome position (GRCh38, 1-based): chr1:169,550,723, A>G on the plus strand (T>C on the coding strand, the complement: F5 is on the minus strand). VCF-style: chr1-169550723-A-G. GRCh37 (hg19) VCF-style: chr1-169519961-A-G.
Other names: short protein forms M438T.
Identifiers: ClinVar variation 3511311 (VCV003511311.3).

ClinVar aggregate classification (germline): Uncertain significance. Review status: criteria provided, multiple submitters, no conflicts (2 of 4 stars). 2 submissions from 2 submitters: Uncertain significance (2). Last evaluated 2024-12-06.

Conditions:
Congenital factor V deficiency. Also called: LABILE FACTOR DEFICIENCY; OWREN PARAHEMOPHILIA; PARAHEMOPHILIA; Hereditary factor V deficiency disease. Identifiers: Orphanet 326, MedGen C0015499, MONDO:0009210, OMIM 227400.
Inborn genetic diseases. Identifiers: MedGen C0950123, MeSH D030342.

gnomAD v4.1: 3 of 1,613,622 alleles (0.00019%); highest among the groups gnomAD compares: South Asian, 0.0011%; no homozygotes.

Submissions (2):

Ambry Genetics
Classification: Uncertain significance for Inborn genetic diseases. Last evaluated: 2024-12-06. Review status: criteria provided, single submitter. Criteria: Ambry Variant Classification Scheme 2023. Collection method: clinical testing. Allele origin: germline.

Labcorp Genetics (formerly Invitae), Labcorp
Classification: Uncertain significance for Congenital factor V deficiency. Last evaluated: 2024-05-10. Review status: criteria provided, single submitter. Criteria: Invitae Variant Classification Sherloc (09022015). Collection method: clinical testing. Allele origin: germline.
Comment: This sequence change replaces methionine, which is neutral and non-polar, with threonine, which is neutral and polar, at codon 438 of the F5 protein (p.Met438Thr). This variant is not present in population databases (gnomAD no frequency). This variant has not been reported in the literature in individuals affected with F5-related conditions. Advanced modeling of protein sequence and biophysical properties (such as structural, functional, and spatial information, amino acid conservation, physicochemical variation, residue mobility, and thermodynamic stability) performed at Invitae indicates that this missense variant is not expected to disrupt F5 protein function with a negative predictive value of 80%. In summary, the available evidence is currently insufficient to determine the role of this variant in disease. Therefore, it has been classified as a Variant of Uncertain Significance.